The following is an entry in ClinVar:

ClinVar aggregate classification (germline): Uncertain significance (1 of 4 stars; one submission).

Submission:

Athena Diagnostics
Classification: Uncertain significance. Last evaluated: 2023-10-30. Review status: criteria provided, single submitter. Criteria: Athena Diagnostics Criteria. Collection method: clinical testing. Allele origin: unknown.
Comment: Available data are insufficient to determine the clinical significance of the variant at this time. The frequency of this variant in the general population is uninformative in assessment of its pathogenicity. This variant is in a coding region of the longest isoform of TTN, inferred model NM_001267550.1, however, it is in a non-coding region of the main skeletal and cardiac muscle isoforms of TTN.

NM_001267550.2(TTN):c.37457C>T (p.Pro12486Leu)

Gene: TTN (titin; minus strand). Cytogenetic location: 2q31.2.
Variant type: single nucleotide variant.
Coding change: c.37457C>T on transcript NM_001267550.2 (MANE Select); coding-DNA position 37457, C replaced by T.
Protein change: p.Pro12486Leu; replaces proline 12486 with leucine.
Molecular consequence: missense variant. On other transcripts: intron variant (5).
Genome position (GRCh38, 1-based): chr2:178,658,791, G>A on the plus strand (C>T on the coding strand, the complement: TTN is on the minus strand). VCF-style: chr2-178658791-G-A. GRCh37 (hg19) VCF-style: chr2-179523518-G-A.
Other names: c.13283-16474C>T (NM_003319.4); c.13859-16474C>T (NM_133437.4); c.13658-16474C>T (NM_133432.3); c.31741+214C>T (NM_133378.4); c.34522+214C>T (NM_001256850.1); short protein forms P12486L.
Identifiers: ClinVar variation 3571562 (VCV003571562.1).
Genomic context (GRCh38, chr2:178,658,791, plus strand): 5'-TTGGCAGGAGGCACCGGTACTTTCTTTTCTGGGACCACTTCCTTCGGTGGCAGCACTTCA[G>A]GCACTTCAAAGATATTTGTAATTTGTGTTTAGAAAAGGTGAAAACGATGGATGCCTTTTG-3'
Protein context (NP_001254479.2, residues 12476-12496): PKPESPPPEV[Pro12486Leu]EVLPPKEVVP